The following is an entry in ClinVar:

ClinVar aggregate classification (germline): Uncertain significance (1 of 4 stars; one submission).

Conditions:
Hereditary cancer-predisposing syndrome. Also called: Hereditary Cancer Syndrome; Hereditary neoplastic syndrome; Neoplastic Syndromes, Hereditary; Tumor predisposition. Identifiers: Orphanet 140162, MedGen C0027672, MeSH D009386, MONDO:0015356.

Submission:

Ambry Genetics
Classification: Uncertain significance for Hereditary cancer-predisposing syndrome. Last evaluated: 2022-04-08. Review status: criteria provided, single submitter. Criteria: Ambry Variant Classification Scheme 2023. Collection method: clinical testing. Allele origin: germline.
Comment: The p.V496D variant (also known as c.1487T>A), located in coding exon 11 of the BMPR1A gene, results from a T to A substitution at nucleotide position 1487. The valine at codon 496 is replaced by aspartic acid, an amino acid with highly dissimilar properties. This amino acid position is not well conserved in available vertebrate species. In addition, the in silico prediction for this alteration is inconclusive. Since supporting evidence is limited at this time, the clinical significance of this alteration remains unclear.

NM_004329.3(BMPR1A):c.1487T>A (p.Val496Asp)

Gene: BMPR1A (bone morphogenetic protein receptor type 1A; plus strand). Cytogenetic location: 10q23.2.
Variant type: single nucleotide variant.
Coding change: c.1487T>A on transcript NM_004329.3 (MANE Select); coding-DNA position 1487, T replaced by A.
Protein change: p.Val496Asp; replaces valine 496 with aspartic acid.
Molecular consequence: missense variant.
Genome position (GRCh38, 1-based): chr10:86,923,607, T>A. VCF-style: chr10-86923607-T-A. GRCh37 (hg19) VCF-style: chr10-88683364-T-A.
Other names: c.1562T>A, p.Val521Asp (NM_001406559.1); c.1535T>A, p.Val512Asp (NM_001406560.1); c.1487T>A, p.Val496Asp (NM_001406561.1, NM_001406562.1, NM_001406563.1 and 19 more transcripts); c.1481T>A, p.Val494Asp (NM_001406583.1); c.1403T>A, p.Val468Asp (NM_001406584.1, NM_001406585.1, NM_001406586.1 and 2 more transcripts); c.1145T>A, p.Val382Asp (NM_001406589.1); short protein forms V382D, V468D, V512D, V521D, V494D, V496D.
Identifiers: ClinVar variation 1773696 (VCV001773696.2), dbSNP rs2539651305, ClinGen allele CA377463700.